The following is an entry in ClinVar:

ClinVar aggregate classification (germline): Conflicting classifications of pathogenicity. Review status: criteria provided, conflicting classifications (1 of 4 stars). 3 submissions from 3 submitters: Likely pathogenic (2); Uncertain significance (1). Last evaluated 2020-10-15.

Conditions:
Inborn genetic diseases. Identifiers: MedGen C0950123, MeSH D030342.
Mitochondrial short-chain Enoyl-Coa hydratase 1 deficiency. Also called: Mitochondrial Short-Chain Enoyl-CoA Hydratase Deficiency; ECHS1 deficiency; PxMD-ECHS1. Identifiers: Orphanet 255241, Orphanet 653880, MedGen C4225391, MONDO:0014563, OMIM 616277.

Allele frequency attached by ClinVar (database versions not stated): TOPMed below 0.00001; ExAC 0.00001; gnomAD 0.00001.

Submissions (3):

Victorian Clinical Genetics Services, Murdoch Childrens Research Institute
Classification: Likely pathogenic for Mitochondrial short-chain Enoyl-Coa hydratase 1 deficiency. Last evaluated: 2020-10-15. Review status: criteria provided, single submitter. Criteria: ACMG Guidelines, 2015. Collection method: clinical testing. Allele origin: germline. Inheritance: Autosomal recessive inheritance.
Comment: Based on the classification scheme VCGS_Germline_v1.3.3, this variant is classified as Likely pathogenic. Following criteria are met: 0102 - Loss of function is a known mechanism of disease in this gene and is associated with mitochondrial short-chain enoyl-CoA hydratase 1 deficiency (MIM#616277). (I) 0106 - This gene is associated with autosomal recessive disease. (I) 0200 - Variant is predicted to result in a missense amino acid change from threonine to alanine. (I) 0251 - This variant is heterozygous. (I) 0304 - Variant is present in gnomAD (v2) <0.001 for a recessive condition (1 heterozygote, 0 homozygotes). (SP) 0309 - An alternative amino acid change at the same position has been observed in gnomAD (v2) (1 heterozygote, 0 homozygotes). (I) 0502 - Missense variant with conflicting in silico predictions and uninformative conservation. (I) 0600 - Variant is located in the annotated ECH1 superfamily (PDB, NCBI). (I) 0705 - No comparable missense variants have previous evidence for pathogenicity. (I) 0803 - This variant has limited previous evidence of pathogenicity in two unrelated individuals. The variant has been previously reported in patients with mitochondrial short-chain enoyl-CoA hydratase 1 deficiency (MIM#616277) (ClinVar, Ran, Y. et al. (2019)). (SP) 0905 - No published segregation evidence has been identified for this variant. (I) 1005 - Clinically accredited laboratory assay specific to gene product shows abnormal protein function. Biochemical assay performed in similarly affected sister's fibroblast consistent with ECHS1 deficiency (Amsterdam UMC). (SP) 1102 - Strong phenotype match for this individual. (SP) 1201 - Heterozygous variant detected in trans with a second pathogenic heterozygous variant (p.(Gly155Ser)) in a recessive disease. (I) Legend: (SP) - Supporting pathogenic, (I) - Information, (SB) - Supporting benign

Ambry Genetics
Classification: Uncertain significance for Inborn genetic diseases. Last evaluated: 2019-06-07. Review status: criteria provided, single submitter. Criteria: Ambry exome assertion method (8-5-2015). Collection method: clinical testing. Allele origin: germline. Affected: yes. Observed: 1 variant allele.

Mendelics
Classification: Likely pathogenic for Mitochondrial short-chain Enoyl-Coa hydratase 1 deficiency. Last evaluated: 2019-05-28. Review status: criteria provided, single submitter. Criteria: Mendelics Assertion Criteria 2017. Collection method: clinical testing. Allele origin: unknown.

NM_004092.4(ECHS1):c.796A>G (p.Thr266Ala)

Gene: ECHS1 (enoyl-CoA hydratase, short chain 1; minus strand). Cytogenetic location: 10q26.3.
Variant type: single nucleotide variant.
Coding change: c.796A>G on transcript NM_004092.4 (MANE Select); coding-DNA position 796, A replaced by G.
Protein change: p.Thr266Ala; replaces threonine 266 with alanine.
Molecular consequence: missense variant.
Genome position (GRCh38, 1-based): chr10:133,364,669, T>C on the plus strand (A>G on the coding strand, the complement: ECHS1 is on the minus strand). VCF-style: chr10-133364669-T-C. GRCh37 (hg19) VCF-style: chr10-135178173-T-C.
Other names: short protein forms T266A.
Identifiers: ClinVar variation 802638 (VCV000802638.5), dbSNP rs770614061, ClinGen allele CA5765646.
Genomic context (GRCh38, chr10:133,364,669, plus strand): 5'-TGTGTGACTGGAATTTGCTTGATTCTCCGGTTGAACACTGTTTACTCACAGTGGCAAAGG[T>C]TGAATAAAAGAGTTTCTTCTCCAACTTACTTCCTTCTGTTAATGTCATTTCAAAAGCTGA-3'
Protein context (NP_004083.3, residues 256-276): SKLEKKLFYS[Thr266Ala]FATDDRKEGM